The following is an entry in ClinVar:

NM_004523.4(KIF11):c.2763C>G (p.Ile921Met)

Gene: KIF11 (kinesin family member 11; plus strand). Cytogenetic location: 10q23.33.
Variant type: single nucleotide variant.
Coding change: c.2763C>G on transcript NM_004523.4 (MANE Select); coding-DNA position 2763, C replaced by G.
Protein change: p.Ile921Met; replaces isoleucine 921 with methionine.
Molecular consequence: missense variant.
Genome position (GRCh38, 1-based): chr10:92,648,427, C>G. VCF-style: chr10-92648427-C-G. GRCh37 (hg19) VCF-style: chr10-94408184-C-G.
Other names: short protein forms I921M.
Identifiers: ClinVar variation 4974658 (VCV004974658.1).

ClinVar aggregate classification (germline): Uncertain significance (1 of 4 stars; one submission).

Conditions:
Microcephaly with or without chorioretinopathy, lymphedema, or impaired intellectual development. Also called: MICROCEPHALY, LYMPHEDEMA, CHORIORETINAL DYSPLASIA SYNDROME; Microcephaly lymphedema chorioretinal dysplasia; MICROCEPHALY AND CHORIORETINOPATHY WITH OR WITHOUT MENTAL RETARDATION, AUTOSOMAL DOMINANT; Microcephaly with or without chorioretinopathy, lymphedema, or mental retardation; Microcephaly with or without chorioretinopathy, lymphedema, or intellectual disability. Identifiers: Orphanet 2526, MedGen C1835265, MONDO:0007918, OMIM 152950.

gnomAD v4.1: 2 of 1,579,244 alleles (0.00013%); highest among the groups gnomAD compares: Admixed American, 0.0036%; no homozygotes.

Submission:

Clinical Genomics Laboratory, Washington University in St. Louis
Classification: Uncertain significance for Microcephaly with or without chorioretinopathy, lymphedema, or impaired intellectual development. Last evaluated: 2026-05-03. Review status: criteria provided, single submitter. Criteria: ACMG Guidelines, 2015. Collection method: clinical testing. Allele origin: germline.
Comment: A KIF11 c.2763C>G (p.Ile921Met) variant was identified at a near heterozygous allelic fraction of 39.1%, a frequency that may be consistent with germline origin. This variant, to our knowledge, has not been reported in the medical literature or in the ClinVar database. It is only observed on 2/1,579,244 alleles in the general population (gnomAD v4.1.1), indicating it is not a common variant. Computational predictors suggest that the variant does not impact KIF11 function. Due to limited information, and based on ACMG/AMP guidelines for variant interpretation (Richards S et al., PMID: 25741868), the clinical significance of this variant is uncertain at this time.